The following is an entry in ClinVar:

NM_025144.4(ALPK1):c.1394C>T (p.Ser465Leu)

Gene: ALPK1 (alpha kinase 1; plus strand). Cytogenetic location: 4q25.
Variant type: single nucleotide variant.
Coding change: c.1394C>T on transcript NM_025144.4 (MANE Select); coding-DNA position 1394, C replaced by T.
Protein change: p.Ser465Leu; replaces serine 465 with leucine.
Molecular consequence: missense variant.
Genome position (GRCh38, 1-based): chr4:112,430,941, C>T. VCF-style: chr4-112430941-C-T. GRCh37 (hg19) VCF-style: chr4-113352097-C-T.
Other names: c.1394C>T, p.Ser465Leu (NM_001102406.2); c.1160C>T, p.Ser387Leu (NM_001253884.2); c.1394C>T (NM_025144.3); short protein forms S387L, S465L.
Identifiers: ClinVar variation 2721068 (VCV002721068.4), dbSNP rs202180512, ClinGen allele CA3046720.
Genomic context (GRCh38, chr4:112,430,941, plus strand): 5'-TCTTGCATGGGCAAGGGGATTTCCAAAAAATCCTTGACACCTATTCACAGCACCATACTT[C>T]GGTGTGTGAAGTATTTGAAAGTGATTGTGGAAACAACAAAAATGAACAGAAAGATGCAAA-3'
Protein context (NP_079420.3, residues 455-475): ILDTYSQHHT[Ser465Leu]VCEVFESDCG

ClinVar aggregate classification (germline): Uncertain significance. Review status: criteria provided, multiple submitters, no conflicts (2 of 4 stars). 2 submissions from 2 submitters: Uncertain significance (2). Last evaluated 2025-10-14.

Conditions:
Inborn genetic diseases. Identifiers: MedGen C0950123, MeSH D030342.

Allele frequency attached by ClinVar (database versions not stated): gnomAD 0.00001; gnomAD exomes 0.00002; TOPMed 0.00002; ExAC 0.00004; 1000 Genomes Project 30x 0.00016; 1000 Genomes Project 0.00020.
gnomAD v4.1: 31 of 1,614,044 alleles (0.0019%); highest among the groups gnomAD compares: Middle Eastern, 0.049%; no homozygotes.

Submissions (2):

Ambry Genetics
Classification: Uncertain significance for Inborn genetic diseases. Last evaluated: 2025-10-14. Review status: criteria provided, single submitter. Criteria: Ambry Variant Classification Scheme 2023. Collection method: clinical testing. Allele origin: germline.

Labcorp Genetics (formerly Invitae), Labcorp
Classification: Uncertain significance. Last evaluated: 2024-08-28. Review status: criteria provided, single submitter. Criteria: Invitae Variant Classification Sherloc (09022015). Collection method: clinical testing. Allele origin: germline.
Comment: This sequence change replaces serine, which is neutral and polar, with leucine, which is neutral and non-polar, at codon 465 of the ALPK1 protein (p.Ser465Leu). This variant is present in population databases (rs202180512, gnomAD 0.006%). This variant has not been reported in the literature in individuals affected with ALPK1-related conditions. Invitae Evidence Modeling of protein sequence and biophysical properties (such as structural, functional, and spatial information, amino acid conservation, physicochemical variation, residue mobility, and thermodynamic stability) indicates that this missense variant is expected to disrupt ALPK1 protein function with a positive predictive value of 80%. In summary, the available evidence is currently insufficient to determine the role of this variant in disease. Therefore, it has been classified as a Variant of Uncertain Significance.